The following is an entry in ClinVar:

ClinVar aggregate classification (germline): Uncertain significance (1 of 4 stars; one submission).

Conditions:
Neuropathy, hereditary sensory and autonomic, type 2A (HSAN2A). Also called: NEUROPATHY, HEREDITARY SENSORY RADICULAR, AUTOSOMAL RECESSIVE; NEUROPATHY, HEREDITARY SENSORY, TYPE IIA; NEUROPATHY, PROGRESSIVE SENSORY, OF CHILDREN; WNK1-Related HSAN2 (HSAN2A); ACROOSTEOLYSIS, GIACCAI TYPE; ACROOSTEOLYSIS, NEUROGENIC. Identifiers: Orphanet 970, MedGen C2752089, MONDO:0024309, OMIM 201300.
Generalized epilepsy with febrile seizures plus, type 7 (GEFSP7). Also called: GEFS+, TYPE 7. Identifiers: Orphanet 36387, MedGen C2751778, MONDO:0013470, OMIM 613863.

gnomAD v4.1: 1 of 1,614,176 alleles (0.000062%); highest among the groups gnomAD compares: Non-Finnish European, 0.000085%; no homozygotes.

Submission:

Labcorp Genetics (formerly Invitae), Labcorp
Classification: Uncertain significance for Neuropathy, hereditary sensory and autonomic, type 2A; Generalized epilepsy with febrile seizures plus, type 7. Last evaluated: 2024-03-24. Review status: criteria provided, single submitter. Criteria: Invitae Variant Classification Sherloc (09022015). Collection method: clinical testing. Allele origin: germline.
Comment: This sequence change replaces glutamic acid, which is acidic and polar, with lysine, which is basic and polar, at codon 1761 of the SCN9A protein (p.Glu1761Lys). This variant is not present in population databases (gnomAD no frequency). This variant has not been reported in the literature in individuals affected with SCN9A-related conditions. Advanced modeling of protein sequence and biophysical properties (such as structural, functional, and spatial information, amino acid conservation, physicochemical variation, residue mobility, and thermodynamic stability) performed at Invitae indicates that this missense variant is not expected to disrupt SCN9A protein function with a negative predictive value of 95%. In summary, the available evidence is currently insufficient to determine the role of this variant in disease. Therefore, it has been classified as a Variant of Uncertain Significance.

NM_001365536.1(SCN9A):c.5314G>A (p.Glu1772Lys)

Genes: SCN9A (sodium voltage-gated channel alpha subunit 9; minus strand), SCN1A-AS1 (SCN1A and SCN9A antisense RNA 1; plus strand). Cytogenetic location: 2q24.3.
Variant type: single nucleotide variant.
Coding change: c.5314G>A on transcript NM_001365536.1 (MANE Select); coding-DNA position 5314, G replaced by A.
Protein change: p.Glu1772Lys; replaces glutamic acid 1772 with lysine.
Molecular consequence: missense variant.
Genome position (GRCh38, 1-based): chr2:166,199,325, C>T on the plus strand (G>A on the coding strand, the complement: SCN9A is on the minus strand). VCF-style: chr2-166199325-C-T. GRCh37 (hg19) VCF-style: chr2-167055835-C-T.
Other names: c.5281G>A, p.Glu1761Lys (NM_002977.4); short protein forms E1761K, E1772K.
Identifiers: ClinVar variation 3763374 (VCV003763374.2).